The following is an entry in ClinVar:

NM_001387263.1(PATL2):c.693C>T (p.Asp231=)

Gene: PATL2 (PAT1 homolog 2; minus strand). Cytogenetic location: 15q21.1.
Variant type: single nucleotide variant.
Coding change: c.693C>T on transcript NM_001387263.1 (MANE Select); coding-DNA position 693, C replaced by T.
Protein change: p.Asp231=; no amino-acid change (aspartic acid 231 retained).
Molecular consequence: synonymous variant.
Genome position (GRCh38, 1-based): chr15:44,670,052, G>A on the plus strand (C>T on the coding strand, the complement: PATL2 is on the minus strand). VCF-style: chr15-44670052-G-A. GRCh37 (hg19) VCF-style: chr15-44962250-G-A.
Other names: c.693C>T, p.Asp231= (NM_001145112.2, NM_001387261.1, NM_001387262.1); c.126C>T, p.Asp42= (NM_001330283.2); c.600C>T, p.Asp200= (NM_001387260.1, NM_001387264.1).
Identifiers: ClinVar variation 3038321 (VCV003038321.2), dbSNP rs577616730, ClinGen allele CA7536129.

ClinVar aggregate classification (germline): Likely benign (0 of 4 stars; one submission).

Conditions:
PATL2-related disorder. Also called: PATL2-related condition.

Allele frequency attached by ClinVar (database versions not stated): ExAC 0.00005; 1000 Genomes Project 30x 0.00031; 1000 Genomes Project 0.00040.
gnomAD v4.1: 131 of 1,551,458 alleles (0.0084%); highest among the groups gnomAD compares: East Asian, 0.18%; 2 homozygotes.

Submission:

PreventionGenetics, part of Exact Sciences
Classification: Likely benign for PATL2-related condition. Last evaluated: 2019-05-03. Review status: no assertion criteria provided. Collection method: clinical testing. Allele origin: germline.
Comment: This variant is classified as likely benign based on ACMG/AMP sequence variant interpretation guidelines (Richards et al. 2015 PMID: 25741868, with internal and published modifications).